The following is an entry in ClinVar:

NM_004656.4(BAP1):c.734T>C (p.Leu245Pro)

Gene: BAP1 (BRCA1 associated deubiquitinase 1; minus strand). Cytogenetic location: 3p21.1.
Variant type: single nucleotide variant.
Coding change: c.734T>C on transcript NM_004656.4 (MANE Select); coding-DNA position 734, T replaced by C.
Protein change: p.Leu245Pro; replaces leucine 245 with proline.
Molecular consequence: missense variant.
Genome position (GRCh38, 1-based): chr3:52,406,302, A>G on the plus strand (T>C on the coding strand, the complement: BAP1 is on the minus strand). VCF-style: chr3-52406302-A-G. GRCh37 (hg19) VCF-style: chr3-52440318-A-G.
Other names: c.680T>C, p.Leu227Pro (NM_001410772.1); short protein forms L245P, L227P.
Identifiers: ClinVar variation 2010765 (VCV002010765.4), dbSNP rs1233224362, ClinGen allele CA353107215.
Genomic context (GRCh38, chr3:52,406,302, plus strand): 5'-AGGGCACCTACCTGCTGCAGAGCCTCTAGTACTGTCTGACGGTTCACCTTCAGCACATGC[A>G]GCCTGGCCTCATACTTGATCCTGCGGTCGGGCACCACTGCCATCAGGTTGAAGCGGATGT-3'
Protein context (NP_004647.1, residues 235-255): PDRRIKYEAR[Leu245Pro]HVLKVNRQTV

ClinVar aggregate classification (germline): Uncertain significance (1 of 4 stars; one submission).

Conditions:
BAP1-related tumor predisposition syndrome (TPDS1). Also called: TUMOR PREDISPOSITION SYNDROME 1; BAP1 tumor predisposition syndrome; Tumor susceptibility linked to germline BAP1 mutations; COMMON Syndrome. Identifiers: Orphanet 289539, MedGen C3280492, MONDO:0013692, OMIM 614327.

Submission:

Labcorp Genetics (formerly Invitae), Labcorp
Classification: Uncertain significance for BAP1-related tumor predisposition syndrome. Last evaluated: 2024-07-21. Review status: criteria provided, single submitter. Criteria: Invitae Variant Classification Sherloc (09022015). Collection method: clinical testing. Allele origin: germline.
Comment: This sequence change replaces leucine, which is neutral and non-polar, with proline, which is neutral and non-polar, at codon 245 of the BAP1 protein (p.Leu245Pro). This variant is not present in population databases (gnomAD no frequency). This variant has not been reported in the literature in individuals affected with BAP1-related conditions. ClinVar contains an entry for this variant (Variation ID: 2010765). Advanced modeling of protein sequence and biophysical properties (such as structural, functional, and spatial information, amino acid conservation, physicochemical variation, residue mobility, and thermodynamic stability) performed at Invitae indicates that this missense variant is expected to disrupt BAP1 protein function with a positive predictive value of 80%. In summary, the available evidence is currently insufficient to determine the role of this variant in disease. Therefore, it has been classified as a Variant of Uncertain Significance.